The following is an entry in ClinVar:

ClinVar aggregate classification (germline): Uncertain significance (1 of 4 stars; one submission).

Conditions:
Severe combined immunodeficiency due to DCLRE1C deficiency (RS-SCID). Also called: SCID, AUTOSOMAL RECESSIVE, T CELL-NEGATIVE, B CELL-NEGATIVE, NK CELL-POSITIVE, WITH SENSITIVITY TO IONIZING RADIATION. Identifiers: Orphanet 275, MedGen C1865371, MONDO:0011225, OMIM 602450.

Allele frequency attached by ClinVar (database versions not stated): gnomAD 0.00001; TOPMed 0.00001.

Submission:

Labcorp Genetics (formerly Invitae), Labcorp
Classification: Uncertain significance for Athabaskan severe combined immunodeficiency. Last evaluated: 2022-06-25. Review status: criteria provided, single submitter. Criteria: Invitae Variant Classification Sherloc (09022015). Collection method: clinical testing. Allele origin: germline.
Comment: This sequence change replaces leucine, which is neutral and non-polar, with phenylalanine, which is neutral and non-polar, at codon 392 of the DCLRE1C protein (p.Leu392Phe). This variant is present in population databases (rs61755347, gnomAD 0.002%). This variant has not been reported in the literature in individuals affected with DCLRE1C-related conditions. Algorithms developed to predict the effect of missense changes on protein structure and function are either unavailable or do not agree on the potential impact of this missense change (SIFT: "Deleterious"; PolyPhen-2: "Probably Damaging"; Align-GVGD: "Class C0"). In summary, the available evidence is currently insufficient to determine the role of this variant in disease. Therefore, it has been classified as a Variant of Uncertain Significance.

NM_001033855.3(DCLRE1C):c.1174C>T (p.Leu392Phe)

Gene: DCLRE1C (DNA cross-link repair 1C; minus strand). Cytogenetic location: 10p13.
Variant type: single nucleotide variant.
Coding change: c.1174C>T on transcript NM_001033855.3 (MANE Select); coding-DNA position 1174, C replaced by T.
Protein change: p.Leu392Phe; replaces leucine 392 with phenylalanine.
Molecular consequence: missense variant. On other transcripts: non-coding transcript variant (4).
Genome position (GRCh38, 1-based): chr10:14,909,313, G>A on the plus strand (C>T on the coding strand, the complement: DCLRE1C is on the minus strand). VCF-style: chr10-14909313-G-A. GRCh37 (hg19) VCF-style: chr10-14951312-G-A.
Other names: c.829C>T, p.Leu277Phe (NM_001289078.2, NM_001350966.2, NM_022487.4 and 1 more transcripts); c.814C>T, p.Leu272Phe (NM_001289079.2, NM_001350967.2, NM_001033857.3 and 2 more transcripts); c.1174C>T, p.Leu392Phe (NM_001350965.2); short protein forms L272F, L392F, L277F.
Identifiers: ClinVar variation 2074485 (VCV002074485.1), dbSNP rs61755347, ClinGen allele CA203429592.